The following is an entry in ClinVar:

ClinVar aggregate classification (germline): Uncertain significance (1 of 4 stars; one submission).

Conditions:
Inborn genetic diseases. Identifiers: MedGen C0950123, MeSH D030342.

Submission:

Ambry Genetics
Classification: Uncertain significance for Inborn genetic diseases. Last evaluated: 2025-07-07. Review status: criteria provided, single submitter. Criteria: Ambry Variant Classification Scheme 2023. Collection method: clinical testing. Allele origin: germline.
Comment: The p.K678E variant (also known as c.2032A>G), located in coding exon 12 of the BMPR2 gene, results from an A to G substitution at nucleotide position 2032. The lysine at codon 678 is replaced by glutamic acid, an amino acid with similar properties. This amino acid position is conserved. In addition, this alteration is predicted to be deleterious by in silico analysis. Based on the available evidence, the clinical significance of this variant remains unclear.

NM_001204.7(BMPR2):c.2032A>G (p.Lys678Glu)

Gene: BMPR2 (bone morphogenetic protein receptor type 2; plus strand). Cytogenetic location: 2q33.2.
Variant type: single nucleotide variant.
Coding change: c.2032A>G on transcript NM_001204.7 (MANE Select); coding-DNA position 2032, A replaced by G.
Protein change: p.Lys678Glu; replaces lysine 678 with glutamic acid.
Molecular consequence: missense variant.
Genome position (GRCh38, 1-based): chr2:202,555,697, A>G. VCF-style: chr2-202555697-A-G. GRCh37 (hg19) VCF-style: chr2-203420420-A-G.
Other names: short protein forms K678E.
Identifiers: ClinVar variation 4214434 (VCV004214434.1).
Genomic context (GRCh38, chr2:202,555,697, plus strand): 5'-CTGACAGAAGAAGACTTGGAAACCAACAAGCTAGACCCAAAAGAAGTTGATAAGAACCTC[A>G]AGGAAAGCTCTGATGAGAATCTCATGGAGCACTCTCTTAAACAGTTCAGTGGCCCAGACC-3'
Protein context (NP_001195.2, residues 668-688): LDPKEVDKNL[Lys678Glu]ESSDENLMEH